The following is an entry in ClinVar:

NM_175875.5(SIX5):c.781G>A (p.Gly261Arg)

Genes: DM1-AS (DM1 locus antisense RNA; plus strand), SIX5 (SIX homeobox 5; minus strand), LOC107075317 (origin of replication in DMPK trinucleotide repeat region; plus strand). Cytogenetic location: 19q13.32.
Variant type: single nucleotide variant.
Coding change: c.781G>A on transcript NM_175875.5 (MANE Select); coding-DNA position 781, G replaced by A.
Protein change: p.Gly261Arg; replaces glycine 261 with arginine.
Molecular consequence: missense variant. On other transcripts: non-coding transcript variant (1).
Genome position (GRCh38, 1-based): chr19:45,768,064, C>T on the plus strand (G>A on the coding strand, the complement: SIX5 is on the minus strand). VCF-style: chr19-45768064-C-T. GRCh37 (hg19) VCF-style: chr19-46271322-C-T.
Other names: short protein forms G261R.
Identifiers: ClinVar variation 3701197 (VCV003701197.2).

ClinVar aggregate classification (germline): Uncertain significance (1 of 4 stars; one submission).

Submission:

Labcorp Genetics (formerly Invitae), Labcorp
Classification: Uncertain significance. Last evaluated: 2024-04-27. Review status: criteria provided, single submitter. Criteria: Invitae Variant Classification Sherloc (09022015). Collection method: clinical testing. Allele origin: germline.
Comment: This sequence change replaces glycine, which is neutral and non-polar, with arginine, which is basic and polar, at codon 261 of the SIX5 protein (p.Gly261Arg). The frequency data for this variant in the population databases is considered unreliable, as metrics indicate poor data quality at this position in the gnomAD database. This variant has not been reported in the literature in individuals affected with SIX5-related conditions. An algorithm developed to predict the effect of missense changes on protein structure and function (PolyPhen-2) suggests that this variant is likely to be disruptive. In summary, the available evidence is currently insufficient to determine the role of this variant in disease. Therefore, it has been classified as a Variant of Uncertain Significance.